The following is an entry in ClinVar:

NM_198506.5(LRIT3):c.1756GTG[1] (p.Val587del)

Gene: LRIT3 (leucine rich repeat, Ig-like and transmembrane domains 3; plus strand). Cytogenetic location: 4q25.
Variant type: Microsatellite.
Coding change: c.1756GTG[1] on transcript NM_198506.5 (MANE Select); one copy of the 3-base unit GTG starting at c.1756; the reference has two copies in a row; one copy, 3 bases deleted.
Protein change: p.Val587del; deletes valine 587.
Molecular consequence: inframe deletion.
Genome position (GRCh38, 1-based): chr4:109,870,508-109,870,510, GTG deleted; deleting any 3 consecutive bases within chr4:109,870,505-109,870,510 gives the same sequence; the position shown is the placement nearest the transcript's 3' end. VCF-style (leftmost placement, unchanged base first): chr4-109870504-CGTG-C. GRCh37 (hg19) VCF-style: chr4-110791660-CGTG-C.
Other names: short protein forms V587del.
Identifiers: ClinVar variation 971079 (VCV000971079.8), dbSNP rs755350459, ClinGen allele CA3043252.

ClinVar aggregate classification (germline): Uncertain significance. Review status: criteria provided, multiple submitters, no conflicts (2 of 4 stars). 2 submissions from 2 submitters: Uncertain significance (2). Last evaluated 2026-01-05.

Submissions (2):

Labcorp Genetics (formerly Invitae), Labcorp
Classification: Uncertain significance. Last evaluated: 2026-01-05. Review status: criteria provided, single submitter. Criteria: Invitae Variant Classification Sherloc (09022015). Collection method: clinical testing. Allele origin: germline.
Comment: This variant, c.1759_1761del, results in the deletion of 1 amino acid(s) of the LRIT3 protein (p.Val587del), but otherwise preserves the integrity of the reading frame. This variant is present in population databases (rs755350459, gnomAD 0.07%). This variant has not been reported in the literature in individuals affected with LRIT3-related conditions. ClinVar contains an entry for this variant (Variation ID: 971079). Experimental studies and prediction algorithms are not available or were not evaluated, and the functional significance of this variant is currently unknown. In summary, the available evidence is currently insufficient to determine the role of this variant in disease. Therefore, it has been classified as a Variant of Uncertain Significance.

Blueprint Genetics
Classification: Uncertain significance. Last evaluated: 2023-12-27. Review status: criteria provided, single submitter. Criteria: ACMG Guidelines, 2015. Collection method: clinical testing. Allele origin: germline.